The following is an entry in ClinVar:

ClinVar aggregate classification (germline): Likely pathogenic (1 of 4 stars; one submission).

Conditions:
Neuronopathy, distal hereditary motor, type 5C. Also called: DHMN VC; NEURONOPATHY, DISTAL HEREDITARY MOTOR, HARDING TYPE VC; NEUROPATHY, DISTAL HEREDITARY MOTOR, HARDING TYPE VC; SPINAL MUSCULAR ATROPHY, DISTAL, HARDING TYPE VC; NEURONOPATHY, DISTAL HEREDITARY MOTOR, AUTOSOMAL DOMINANT 13. Identifiers: MedGen C5436838, MONDO:0030860, OMIM 619112.
Hereditary spastic paraplegia 17. Also called: Silver spastic paraplegia syndrome; Spastic Paraplegia 17; Autosomal dominant spastic paraplegia type 17; Silver Syndrome; SPASTIC PARAPLEGIA WITH AMYOTROPHY OF HANDS AND FEET. Identifiers: Orphanet 100998, MedGen C2931276, MONDO:0010043, OMIM 270685.

Submission:

Kariminejad - Najmabadi Pathology & Genetics Center
Classification: Likely pathogenic for Neuronopathy, distal hereditary motor, type 5C; Hereditary spastic paraplegia 17. Last evaluated: 2024-07-18. Review status: criteria provided, single submitter. Criteria: ACMG Guidelines, 2015. Collection method: clinical testing. Allele origin: germline. Inheritance: Autosomal dominant inheritance. Affected: yes.
Comment: [PVS1 PM2]

NM_001122955.4(BSCL2):c.280C>T (p.Gln94Ter)

Genes: BSCL2 (BSCL2 lipid droplet biogenesis associated, seipin; minus strand), HNRNPUL2-BSCL2 (HNRNPUL2-BSCL2 readthrough (NMD candidate); minus strand). Cytogenetic location: 11q12.3.
Variant type: single nucleotide variant.
Coding change: c.280C>T on transcript NM_001122955.4 (MANE Select); coding-DNA position 280, C replaced by T.
Protein change: p.Gln94Ter; replaces glutamine 94 with a stop codon.
Molecular consequence: nonsense. On other transcripts: non-coding transcript variant (1).
Genome position (GRCh38, 1-based): chr11:62,705,425, G>A on the plus strand (C>T on the coding strand, the complement: BSCL2 is on the minus strand). VCF-style: chr11-62705425-G-A. GRCh37 (hg19) VCF-style: chr11-62472897-G-A.
Other names: c.88C>T, p.Gln30Ter (NM_001130702.2, NM_032667.6); c.280C>T, p.Gln94Ter (NM_001386027.1, NM_001386028.1); short protein forms Q30*, Q94*.
Identifiers: ClinVar variation 3896785 (VCV003896785.1).